The following is an entry in ClinVar:

NM_004341.5(CAD):c.4870A>G (p.Ile1624Val)

Gene: CAD (carbamoyl-phosphate synthetase 2, aspartate transcarbamylase, and dihydroorotase; plus strand). Cytogenetic location: 2p23.3.
Variant type: single nucleotide variant.
Coding change: c.4870A>G on transcript NM_004341.5 (MANE Select); coding-DNA position 4870, A replaced by G.
Protein change: p.Ile1624Val; replaces isoleucine 1624 with valine.
Molecular consequence: missense variant.
Genome position (GRCh38, 1-based): chr2:27,238,440, A>G. VCF-style: chr2-27238440-A-G. GRCh37 (hg19) VCF-style: chr2-27461308-A-G.
Other names: c.4681A>G, p.Ile1561Val (NM_001306079.2); c.4870A>G (NM_004341.3); short protein forms I1624V, I1561V.
Identifiers: ClinVar variation 1406929 (VCV001406929.7), dbSNP rs1280454871, ClinGen allele CA346221631.

ClinVar aggregate classification (germline): Uncertain significance. Review status: criteria provided, multiple submitters, no conflicts (2 of 4 stars). 2 submissions from 2 submitters: Uncertain significance (2). Last evaluated 2023-05-31.

Conditions:
Inborn genetic diseases. Identifiers: MedGen C0950123, MeSH D030342.

Allele frequency attached by ClinVar (database versions not stated): gnomAD 0.00001 and 0.00002; gnomAD exomes 0.00001; TOPMed 0.00001.
gnomAD v4.1: 7 of 1,578,138 alleles (0.00044%); highest among the groups gnomAD compares: Admixed American, 0.011%; no homozygotes.

Submissions (2):

Ambry Genetics
Classification: Uncertain significance for Inborn genetic diseases. Last evaluated: 2023-05-31. Review status: criteria provided, single submitter. Criteria: Ambry Variant Classification Scheme 2023. Collection method: clinical testing. Allele origin: germline.

Labcorp Genetics (formerly Invitae), Labcorp
Classification: Uncertain significance. Last evaluated: 2022-07-26. Review status: criteria provided, single submitter. Criteria: Invitae Variant Classification Sherloc (09022015). Collection method: clinical testing. Allele origin: germline.
Comment: This sequence change replaces isoleucine, which is neutral and non-polar, with valine, which is neutral and non-polar, at codon 1624 of the CAD protein (p.Ile1624Val). This variant is present in population databases (no rsID available, gnomAD 0.01%). This variant has not been reported in the literature in individuals affected with CAD-related conditions. ClinVar contains an entry for this variant (Variation ID: 1406929). Algorithms developed to predict the effect of missense changes on protein structure and function (SIFT, PolyPhen-2, Align-GVGD) all suggest that this variant is likely to be tolerated. In summary, the available evidence is currently insufficient to determine the role of this variant in disease. Therefore, it has been classified as a Variant of Uncertain Significance.